The following is an entry in ClinVar:

NM_000289.6(PFKM):c.2075_2076del (p.Lys692fs)

Gene: PFKM (phosphofructokinase, muscle; plus strand). Cytogenetic location: 12q13.11.
Variant type: Deletion.
Coding change: c.2075_2076del on transcript NM_000289.6 (MANE Select); coding-DNA positions 2075 to 2076, 2 bases deleted (AA; older notation c.2075_2076delAA).
Protein change: p.Lys692fs; shifts the reading frame from lysine 692.
Molecular consequence: frameshift variant. On other transcripts: non-coding transcript variant (6).
Genome position (GRCh38, 1-based): chr12:48,145,113-48,145,114, AA deleted; deleting any 2 consecutive bases within chr12:48,145,112-48,145,114 gives the same sequence; the c. name uses the placement nearest the transcript's 3' end. VCF-style (leftmost placement, unchanged base first): chr12-48145111-CAA-C. GRCh37 (hg19) VCF-style: chr12-48538894-CAA-C.
Other names: c.2288_2289del, p.Lys763fs (NM_001166686.2, NM_001354737.1, NM_001354738.1 and 1 more transcripts); c.2075_2076del, p.Lys692fs (NM_001166687.2, NM_001166688.2, NM_001354742.2 and 2 more transcripts); c.2384_2385del, p.Lys795fs (NM_001354735.1, NM_001354736.1); c.2219_2220del, p.Lys740fs (NM_001354740.1); c.2099_2100del, p.Lys700fs (NM_001354741.2); c.1988_1989del, p.Lys663fs (NM_001354745.2); c.1949_1950del, p.Lys650fs (NM_001354746.2); c.1925_1926del, p.Lys642fs (NM_001354747.2, NM_001354748.2); and 1 more; short protein forms K642fs, K650fs, K661fs, K663fs, K692fs, K763fs, K740fs, K795fs.
Identifiers: ClinVar variation 1455763 (VCV001455763.6), dbSNP rs2136049056, ClinGen allele CA2573148749.

ClinVar aggregate classification (germline): Pathogenic (1 of 4 stars; one submission).

Conditions:
Glycogen storage disease, type VII (GSD7). Also called: MUSCLE PHOSPHOFRUCTOKINASE DEFICIENCY; PFKM DEFICIENCY; TARUI DISEASE; GSD VII. Identifiers: Orphanet 371, MedGen C0017926, MONDO:0009295, OMIM 232800.

Submission:

Labcorp Genetics (formerly Invitae), Labcorp
Classification: Pathogenic for Glycogen storage disease, type VII. Last evaluated: 2024-03-17. Review status: criteria provided, single submitter. Criteria: Invitae Variant Classification Sherloc (09022015). Collection method: clinical testing. Allele origin: germline.
Comment: This sequence change creates a premature translational stop signal (p.Lys692Argfs*5) in the PFKM gene. It is expected to result in an absent or disrupted protein product. Loss-of-function variants in PFKM are known to be pathogenic (PMID: 7825568, 8037209). This variant is not present in population databases (gnomAD no frequency). This variant has not been reported in the literature in individuals affected with PFKM-related conditions. ClinVar contains an entry for this variant (Variation ID: 1455763). For these reasons, this variant has been classified as Pathogenic.

Literature cited by the submitters: PubMed 7825568; PubMed 8037209.